The following is an entry in ClinVar:

ClinVar aggregate classification (germline): Uncertain significance. Review status: criteria provided, multiple submitters, no conflicts (2 of 4 stars). 6 submissions from 6 submitters: Uncertain significance (6). Last evaluated 2025-03-09.

Conditions:
Classic or attenuated familial adenomatous polyposis. Identifiers: MedGen CN372698, MONDO:0021057.
Hereditary cancer-predisposing syndrome. Also called: Hereditary neoplastic syndrome; Hereditary Cancer Syndrome; Neoplastic Syndromes, Hereditary; Tumor predisposition. Identifiers: Orphanet 140162, MedGen C0027672, MeSH D009386, MONDO:0015356.
Familial adenomatous polyposis 1 (FAP1). Also called: FAMILIAL ADENOMATOUS POLYPOSIS 1, ATTENUATED; POLYPOSIS, ADENOMATOUS INTESTINAL. Identifiers: MedGen C2713442, MONDO:0021056, OMIM 175100. Disease mechanism: loss of function.

Submissions (6):

Color Diagnostics, LLC DBA Color Health
Classification: Uncertain significance for Hereditary cancer-predisposing syndrome. Last evaluated: 2025-03-09. Review status: criteria provided, single submitter. Criteria: ACMG Guidelines, 2015. Collection method: clinical testing. Allele origin: germline.
Comment: This missense variant replaces aspartic acid with glycine at codon 329 of the APC protein. Computational prediction suggests that this variant may have deleterious impact on protein structure and function (internally defined REVEL score threshold >= 0.7, PMID: 27666373). Splice site prediction tools suggest that this variant may impact RNA splicing. To our knowledge, functional studies have not been reported for this variant. This variant has not been reported in individuals affected with APC-related disorders in the literature. This variant has not been identified in the general population by the Genome Aggregation Database (gnomAD). The available evidence is insufficient to determine the role of this variant in disease conclusively. Therefore, this variant is classified as a Variant of Uncertain Significance.

Ambry Genetics
Classification: Uncertain significance for Hereditary cancer-predisposing syndrome. Last evaluated: 2023-12-21. Review status: criteria provided, single submitter. Criteria: Ambry Variant Classification Scheme 2023. Collection method: clinical testing. Allele origin: germline.
Comment: The p.D329G variant (also known as c.986A>G), located in coding exon 9 of the APC gene, results from an A to G substitution at nucleotide position 986. The aspartic acid at codon 329 is replaced by glycine, an amino acid with similar properties. This amino acid position is conserved. In addition, in silico predictors for this gene do not accurately predict pathogenicity. Since supporting evidence is limited at this time, the clinical significance of this alteration remains unclear.

Baylor Genetics
Classification: Uncertain significance for Familial adenomatous polyposis 1. Last evaluated: 2023-05-12. Review status: criteria provided, single submitter. Criteria: ACMG Guidelines, 2015. Collection method: clinical testing. Allele origin: unknown.

All of Us Research Program, National Institutes of Health
Classification: Uncertain significance for Classic or attenuated familial adenomatous polyposis. Last evaluated: 2023-05-04. Review status: criteria provided, single submitter. Criteria: ACMG Guidelines, 2015. Collection method: clinical testing. Allele origin: germline. Inheritance: Autosomal dominant inheritance. Observed: 1 variant allele, 1 heterozygote.
Comment: This missense variant replaces aspartic acid with glycine at codon 329 of the APC protein. Computational prediction suggests that this variant may have deleterious impact on protein structure and function (internally defined REVEL score threshold >= 0.7, PMID: 27666373). Splice site prediction tools suggest that this variant may impact RNA splicing. To our knowledge, functional studies have not been reported for this variant. This variant has not been reported in individuals affected with APC-related disorders in the literature. This variant has not been identified in the general population by the Genome Aggregation Database (gnomAD). The available evidence is insufficient to determine the role of this variant in disease conclusively. Therefore, this variant is classified as a Variant of Uncertain Significance.

This study involves interpretation of variants in research participants for the purpose of population health screening. Participant phenotype was not available at the time of variant classification. Additional details can be found in publication PMID: 35346344, PMCID: PMC8962531

Sema4
Classification: Uncertain significance for Hereditary cancer-predisposing syndrome. Last evaluated: 2021-12-17. Review status: criteria provided, single submitter. Criteria: Sema4 Curation Guidelines. Collection method: curation. Allele origin: germline.
Comment: The APC c.986A>G (p.D329G) variant has not been reported in the literature to our knowledge. It was not observed in the large and broad cohorts of the Genome Aggregation Database (PMID: 32461654). This variant has been reported in ClinVar (Variation ID 236663). In silico tools suggest the impact of the variant on protein function is deleterious, though these predictions have not been confirmed by functional studies. The evidence is insufficient to meet ACMG/AMP criteria for classifying the variant as benign or pathogenic. Thus, the clinical significance of this variant is currently uncertain.

Labcorp Genetics (formerly Invitae), Labcorp
Classification: Uncertain significance for Familial adenomatous polyposis 1. Last evaluated: 2015-12-07. Review status: criteria provided, single submitter. Criteria: Invitae Variant Classification Sherloc (09022015). Collection method: clinical testing. Allele origin: germline.
Comment: This sequence change replaces aspartic acid with glycine at codon 329 of the APC protein (p.Asp329Gly). The aspartic acid residue is highly conserved and there is a moderate physicochemical difference between aspartic acid and glycine. This variant is not present in population databases (ExAC no frequency) and has not been reported in the literature. Algorithms developed to predict the effect of missense changes on protein structure and function (SIFT, PolyPhen-2, Align-GVGD) all suggest that this variant is likely to be disruptive. In addition, algorithms developed to predict the effect of nucleotide changes on mRNA splicing suggest that this variant may alter mRNA splicing, but these predictions have not been confirmed by published functional and transcriptional studies. In summary, this is a novel missense change with uncertain impact on protein function and splicing. It has been classified as a Variant of Uncertain Significance.

NM_000038.6(APC):c.986A>G (p.Asp329Gly)

Gene: APC (APC regulator of Wnt signaling pathway; plus strand). Cytogenetic location: 5q22.2.
Variant type: single nucleotide variant.
Coding change: c.986A>G on transcript NM_000038.6 (MANE Select); coding-DNA position 986, A replaced by G.
Protein change: p.Asp329Gly; replaces aspartic acid 329 with glycine.
Molecular consequence: missense variant. On other transcripts: intron variant (4).
Genome position (GRCh38, 1-based): chr5:112,819,018, A>G. VCF-style: chr5-112819018-A-G. GRCh37 (hg19) VCF-style: chr5-112154715-A-G.
Other names: c.986A>G, p.Asp329Gly (NM_001127510.3, NM_001354895.2, NM_001354896.2); c.932A>G, p.Asp311Gly (NM_001127511.3); c.1016A>G, p.Asp339Gly (NM_001354897.2); c.911A>G, p.Asp304Gly (NM_001354898.2); c.902A>G, p.Asp301Gly (NM_001354899.2); c.809A>G, p.Asp270Gly (NM_001354900.2, NM_001354901.2); c.137A>G, p.Asp46Gly (NM_001354906.2); c.964-251A>G (NM_001354902.2); and 3 more; short protein forms D311G, D329G, D301G, D339G, D46G, D270G, D304G.
Identifiers: ClinVar variation 236663 (VCV000236663.13), dbSNP rs878853482, ClinGen allele CA10582284.